The following is an entry in ClinVar:

ClinVar aggregate classification (germline): Uncertain significance (1 of 4 stars; one submission).

Conditions:
SLC35A1-congenital disorder of glycosylation. Also called: CONGENITAL DISORDER OF GLYCOSYLATION, TYPE IIf; CDG IIf; SLC35A1-CDG. Identifiers: Orphanet 238459, MedGen C1970344, MONDO:0011342, OMIM 603585.

Submission:

Labcorp Genetics (formerly Invitae), Labcorp
Classification: Uncertain significance for SLC35A1-congenital disorder of glycosylation. Last evaluated: 2021-07-17. Review status: criteria provided, single submitter. Criteria: Invitae Variant Classification Sherloc (09022015). Collection method: clinical testing. Allele origin: germline.
Comment: Algorithms developed to predict the effect of sequence changes on RNA splicing suggest that this variant may create or strengthen a splice site. In summary, the available evidence is currently insufficient to determine the role of this variant in disease. Therefore, it has been classified as a Variant of Uncertain Significance. Algorithms developed to predict the effect of missense changes on protein structure and function (SIFT, PolyPhen-2, Align-GVGD) all suggest that this variant is likely to be tolerated. This variant has not been reported in the literature in individuals affected with SLC35A1-related conditions. This variant is not present in population databases (ExAC no frequency). This sequence change replaces threonine with serine at codon 303 of the SLC35A1 protein (p.Thr303Ser). The threonine residue is moderately conserved and there is a small physicochemical difference between threonine and serine.

NM_006416.5(SLC35A1):c.908C>G (p.Thr303Ser)

Gene: SLC35A1 (solute carrier family 35 member A1; plus strand). Cytogenetic location: 6q15.
Variant type: single nucleotide variant.
Coding change: c.908C>G on transcript NM_006416.5 (MANE Select); coding-DNA position 908, C replaced by G.
Protein change: p.Thr303Ser; replaces threonine 303 with serine.
Molecular consequence: missense variant.
Genome position (GRCh38, 1-based): chr6:87,511,420, C>G. VCF-style: chr6-87511420-C-G. GRCh37 (hg19) VCF-style: chr6-88221138-C-G.
Other names: c.731C>G, p.Thr244Ser (NM_001168398.2); short protein forms T244S, T303S.
Identifiers: ClinVar variation 1418148 (VCV001418148.8), dbSNP rs2127978566, ClinGen allele CA364916362.